The following is an entry in ClinVar:

NM_001205293.3(CACNA1E):c.2341C>T (p.Arg781Cys)

Gene: CACNA1E (calcium voltage-gated channel subunit alpha1 E; plus strand). Cytogenetic location: 1q25.3.
Variant type: single nucleotide variant.
Coding change: c.2341C>T on transcript NM_001205293.3 (MANE Select); coding-DNA position 2341, C replaced by T.
Protein change: p.Arg781Cys; replaces arginine 781 with cysteine.
Molecular consequence: missense variant.
Genome position (GRCh38, 1-based): chr1:181,732,427, C>T. VCF-style: chr1-181732427-C-T. GRCh37 (hg19) VCF-style: chr1-181701563-C-T.
Other names: c.2341C>T, p.Arg781Cys (NM_000721.4); c.2284C>T, p.Arg762Cys (NM_001205294.2); short protein forms R762C, R781C.
Identifiers: ClinVar variation 2978103 (VCV002978103.3), dbSNP rs2528692075, ClinGen allele CA343617031.

ClinVar aggregate classification (germline): Uncertain significance (1 of 4 stars; one submission).

gnomAD v4.1: 2 of 1,545,722 alleles (0.00013%); highest among the groups gnomAD compares: Non-Finnish European, 0.00017%; no homozygotes.

Submission:

Labcorp Genetics (formerly Invitae), Labcorp
Classification: Uncertain significance. Last evaluated: 2023-08-17. Review status: criteria provided, single submitter. Criteria: Invitae Variant Classification Sherloc (09022015). Collection method: clinical testing. Allele origin: germline.
Comment: This variant has not been reported in the literature in individuals affected with CACNA1E-related conditions. Advanced modeling of protein sequence and biophysical properties (such as structural, functional, and spatial information, amino acid conservation, physicochemical variation, residue mobility, and thermodynamic stability) has been performed at Invitae for this missense variant, however the output from this modeling did not meet the statistical confidence thresholds required to predict the impact of this variant on CACNA1E protein function. In summary, the available evidence is currently insufficient to determine the role of this variant in disease. Therefore, it has been classified as a Variant of Uncertain Significance. This variant is not present in population databases (gnomAD no frequency). This sequence change replaces arginine, which is basic and polar, with cysteine, which is neutral and slightly polar, at codon 781 of the CACNA1E protein (p.Arg781Cys).